The following is an entry in ClinVar:

NM_000321.3(RB1):c.2416A>G (p.Ile806Val)

Gene: RB1 (RB transcriptional corepressor 1; plus strand). Cytogenetic location: 13q14.2.
Variant type: single nucleotide variant.
Coding change: c.2416A>G on transcript NM_000321.3 (MANE Select); coding-DNA position 2416, A replaced by G.
Protein change: p.Ile806Val; replaces isoleucine 806 with valine.
Molecular consequence: missense variant.
Genome position (GRCh38, 1-based): chr13:48,465,295, A>G. VCF-style: chr13-48465295-A-G. GRCh37 (hg19) VCF-style: chr13-49039431-A-G.
Other names: c.2416A>G, p.Ile806Val (NM_001407165.1); short protein forms I806V.
Identifiers: ClinVar variation 3704981 (VCV003704981.3).

ClinVar aggregate classification (germline): Uncertain significance. Review status: criteria provided, multiple submitters, no conflicts (2 of 4 stars). 2 submissions from 2 submitters: Uncertain significance (2). Last evaluated 2026-07-07.

Conditions:
Retinoblastoma (RB1). Also called: RETINOBLASTOMA, SOMATIC. Identifiers: Orphanet 790, MedGen C0035335, MeSH D012175, MONDO:0008380, OMIM 180200, HP:0009919. Disease mechanism: loss of function. Inheritance: Both sporadic and heritable forms are tested..
Hereditary cancer-predisposing syndrome. Also called: Tumor predisposition; Hereditary neoplastic syndrome; Hereditary Cancer Syndrome; Neoplastic Syndromes, Hereditary. Identifiers: Orphanet 140162, MedGen C0027672, MeSH D009386, MONDO:0015356.

Submissions (2):

Ambry Genetics
Classification: Uncertain significance for Hereditary cancer-predisposing syndrome. Last evaluated: 2026-07-07. Review status: criteria provided, single submitter. Criteria: Ambry Variant Classification Scheme 2023. Collection method: clinical testing. Allele origin: germline.
Comment: The p.I806V variant (also known as c.2416A>G), located in coding exon 23 of the RB1 gene, results from an A to G substitution at nucleotide position 2416. The isoleucine at codon 806 is replaced by valine, an amino acid with highly similar properties. This amino acid position is conserved. In addition, this alteration is predicted to be tolerated by in silico analysis. Based on the available evidence, the clinical significance of this variant remains unclear.

Labcorp Genetics (formerly Invitae), Labcorp
Classification: Uncertain significance for Retinoblastoma. Last evaluated: 2024-06-28. Review status: criteria provided, single submitter. Criteria: Invitae Variant Classification Sherloc (09022015). Collection method: clinical testing. Allele origin: germline.
Comment: This sequence change replaces isoleucine, which is neutral and non-polar, with valine, which is neutral and non-polar, at codon 806 of the RB1 protein (p.Ile806Val). This variant is not present in population databases (gnomAD no frequency). This variant has not been reported in the literature in individuals affected with RB1-related conditions. Advanced modeling of protein sequence and biophysical properties (such as structural, functional, and spatial information, amino acid conservation, physicochemical variation, residue mobility, and thermodynamic stability) performed at Invitae indicates that this missense variant is not expected to disrupt RB1 protein function with a negative predictive value of 80%. In summary, the available evidence is currently insufficient to determine the role of this variant in disease. Therefore, it has been classified as a Variant of Uncertain Significance.